The following is an entry in ClinVar:

NM_032861.4(SERAC1):c.1308+15_1308+16dup

Gene: SERAC1 (serine active site containing 1; minus strand). Cytogenetic location: 6q25.3.
Variant type: Duplication.
Coding change: c.1308+15_1308+16dup on transcript NM_032861.4 (MANE Select); bases 15 to 16 of the intron after coding-DNA position 1308, 2 bases duplicated (GA; older notation c.1308+15_1308+16dupGA).
Molecular consequence: intron variant.
Genome position (GRCh38, 1-based): chr6:158,119,013-158,119,014, TC duplicated on the plus strand (GA on the coding strand, the reverse complement: SERAC1 is on the minus strand). VCF-style (leftmost placement, unchanged base first): chr6-158119012-G-GTC. GRCh37 (hg19) VCF-style: chr6-158540044-G-GTC.
Identifiers: ClinVar variation 420194 (VCV000420194.1), dbSNP rs1554261604, ClinGen allele CA16618271.

ClinVar aggregate classification (germline): Likely benign (1 of 4 stars; one submission).

Allele frequency attached by ClinVar (database versions not stated): TOPMed below 0.00001.

Submission:

GeneDx
Classification: Likely benign. Last evaluated: 2015-12-15. Review status: criteria provided, single submitter. Criteria: GeneDx Variant Classification (06012015). Collection method: clinical testing. Allele origin: germline. Affected: yes.
Comment: This variant is considered likely benign or benign based on one or more of the following criteria: it is a conservative change, it occurs at a poorly conserved position in the protein, it is predicted to be benign by multiple in silico algorithms, and/or has population frequency not consistent with disease.